The following is an entry in ClinVar:

NM_000368.5(TSC1):c.1418T>G (p.Ile473Ser)

Gene: TSC1 (TSC complex subunit 1; minus strand). Cytogenetic location: 9q34.13.
Variant type: single nucleotide variant.
Coding change: c.1418T>G on transcript NM_000368.5 (MANE Select); coding-DNA position 1418, T replaced by G.
Protein change: p.Ile473Ser; replaces isoleucine 473 with serine.
Molecular consequence: missense variant.
Genome position (GRCh38, 1-based): chr9:132,906,751, A>C on the plus strand (T>G on the coding strand, the complement: TSC1 is on the minus strand). VCF-style: chr9-132906751-A-C. GRCh37 (hg19) VCF-style: chr9-135782138-A-C.
Other names: c.1415T>G, p.Ile472Ser (NM_001162426.2, NM_001406597.1, NM_001406598.1 and 6 more transcripts); c.1265T>G, p.Ile422Ser (NM_001162427.2, NM_001406610.1); c.1055T>G, p.Ile352Ser (NM_001362177.2, NM_001406614.1, NM_001406615.1 and 5 more transcripts); c.1418T>G, p.Ile473Ser (NM_001406592.1, NM_001406593.1, NM_001406594.1 and 7 more transcripts); c.1262T>G, p.Ile421Ser (NM_001406611.1, NM_001406612.1, NM_001406613.1); c.365T>G, p.Ile122Ser (NM_001406629.1, NM_001406630.1); c.1052T>G, p.Ile351Ser (NM_001406620.1, NM_001406621.1, NM_001406622.1 and 2 more transcripts); c.467T>G, p.Ile156Ser (NM_001406626.1); and 1 more; short protein forms I351S, I421S, I472S, I473S, I155S, I156S, I122S, I352S.
Identifiers: ClinVar variation 2108306 (VCV002108306.6), dbSNP rs185159716, ClinGen allele CA375365827.

ClinVar aggregate classification (germline): Uncertain significance. Review status: criteria provided, multiple submitters, no conflicts (2 of 4 stars). 3 submissions from 3 submitters: Uncertain significance (3). Last evaluated 2025-03-29.

Conditions:
Hereditary cancer-predisposing syndrome. Also called: Hereditary Cancer Syndrome; Tumor predisposition; Neoplastic Syndromes, Hereditary; Hereditary neoplastic syndrome. Identifiers: Orphanet 140162, MedGen C0027672, MeSH D009386, MONDO:0015356.
Tuberous sclerosis 1 (TSC1). Identifiers: Orphanet 805, MedGen C1854465, MONDO:0008612, OMIM 191100.

Submissions (3):

Ambry Genetics
Classification: Uncertain significance for Hereditary cancer-predisposing syndrome. Last evaluated: 2025-03-29. Review status: criteria provided, single submitter. Criteria: Ambry Variant Classification Scheme 2023. Collection method: clinical testing. Allele origin: germline.
Comment: The p.I473S variant (also known as c.1418T>G), located in coding exon 12 of the TSC1 gene, results from a T to G substitution at nucleotide position 1418. The isoleucine at codon 473 is replaced by serine, an amino acid with dissimilar properties. This amino acid position is conserved. In addition, the in silico prediction for this alteration is inconclusive. Based on the available evidence, the clinical significance of this variant remains unclear.

Labcorp Genetics (formerly Invitae), Labcorp
Classification: Uncertain significance for Tuberous sclerosis 1. Last evaluated: 2024-09-05. Review status: criteria provided, single submitter. Criteria: Invitae Variant Classification Sherloc (09022015). Collection method: clinical testing. Allele origin: germline.
Comment: This sequence change replaces isoleucine, which is neutral and non-polar, with serine, which is neutral and polar, at codon 473 of the TSC1 protein (p.Ile473Ser). This variant is not present in population databases (gnomAD no frequency). This variant has not been reported in the literature in individuals affected with TSC1-related conditions. ClinVar contains an entry for this variant (Variation ID: 2108306). Invitae Evidence Modeling of protein sequence and biophysical properties (such as structural, functional, and spatial information, amino acid conservation, physicochemical variation, residue mobility, and thermodynamic stability) indicates that this missense variant is not expected to disrupt TSC1 protein function with a negative predictive value of 95%. In summary, the available evidence is currently insufficient to determine the role of this variant in disease. Therefore, it has been classified as a Variant of Uncertain Significance.

GeneDx
Classification: Uncertain significance. Last evaluated: 2024-05-05. Review status: criteria provided, single submitter. Criteria: GeneDx Variant Classification Process June 2021. Collection method: clinical testing. Allele origin: germline. Affected: yes.
Comment: Not observed at significant frequency in large population cohorts (gnomAD); In silico analysis indicates that this missense variant does not alter protein structure/function; Has not been previously published as pathogenic or benign to our knowledge